The following is an entry in ClinVar:

ClinVar aggregate classification (germline): Uncertain significance (1 of 4 stars; one submission).

Conditions:
Polyglucosan body myopathy type 2. Identifiers: Orphanet 456369, MedGen C4015452, MONDO:0014526, OMIM 616199.
Glycogen storage disease XV (GSD15). Also called: GLYCOGENIN DEFICIENCY; GSD XV. Identifiers: Orphanet 263297, MedGen C3150754, MONDO:0013291, OMIM 613507.

Submission:

Labcorp Genetics (formerly Invitae), Labcorp
Classification: Uncertain significance for Polyglucosan body myopathy type 2; Glycogen storage disease XV. Last evaluated: 2022-03-22. Review status: criteria provided, single submitter. Criteria: Invitae Variant Classification Sherloc (09022015). Collection method: clinical testing. Allele origin: germline.
Comment: This sequence change replaces threonine, which is neutral and polar, with isoleucine, which is neutral and non-polar, at codon 223 of the GYG1 protein (p.Thr223Ile). This variant is not present in population databases (gnomAD no frequency). In summary, the available evidence is currently insufficient to determine the role of this variant in disease. Therefore, it has been classified as a Variant of Uncertain Significance. Algorithms developed to predict the effect of missense changes on protein structure and function are either unavailable or do not agree on the potential impact of this missense change (SIFT: "Tolerated"; PolyPhen-2: "Possibly Damaging"; Align-GVGD: "Class C15"). This variant has not been reported in the literature in individuals affected with GYG1-related conditions.

NM_004130.4(GYG1):c.668C>T (p.Thr223Ile)

Gene: GYG1 (glycogenin 1; plus strand). Cytogenetic location: 3q24.
Variant type: single nucleotide variant.
Coding change: c.668C>T on transcript NM_004130.4 (MANE Select); coding-DNA position 668, C replaced by T.
Protein change: p.Thr223Ile; replaces threonine 223 with isoleucine.
Molecular consequence: missense variant. On other transcripts: intron variant (1).
Genome position (GRCh38, 1-based): chr3:149,024,112, C>T. VCF-style: chr3-149024112-C-T. GRCh37 (hg19) VCF-style: chr3-148741899-C-T.
Other names: c.668C>T, p.Thr223Ile (NM_001184720.2); c.609-2648C>T (NM_001184721.2); short protein forms T223I.
Identifiers: ClinVar variation 2023724 (VCV002023724.4), dbSNP rs2472757551, ClinGen allele CA354908010.
Genomic context (GRCh38, chr3:149,024,112, plus strand): 5'-GGTTTGGTGCAAGTGCCAAAGTTGTGCATTTCCTGGGACGAGTCAAACCATGGAATTATA[C>T]TTATGATCCCAAAACAAAAAGTGTCAAAAGTGAGGCCCATGATCCCAACATGACTCATCC-3'
Protein context (NP_004121.2, residues 213-233): FLGRVKPWNY[Thr223Ile]YDPKTKSVKS